The following is an entry in ClinVar:

ClinVar aggregate classification (germline): Uncertain significance (1 of 4 stars; one submission).

Submission:

Labcorp Genetics (formerly Invitae), Labcorp
Classification: Uncertain significance. Last evaluated: 2024-10-03. Review status: criteria provided, single submitter. Criteria: Invitae Variant Classification Sherloc (09022015). Collection method: clinical testing. Allele origin: germline.
Comment: This sequence change replaces lysine, which is basic and polar, with glutamic acid, which is acidic and polar, at codon 392 of the MKL1 protein (p.Lys392Glu). This variant is not present in population databases (gnomAD no frequency). This variant has not been reported in the literature in individuals affected with MKL1-related conditions. An algorithm developed to predict the effect of missense changes on protein structure and function (PolyPhen-2) suggests that this variant is likely to be disruptive. In summary, the available evidence is currently insufficient to determine the role of this variant in disease. Therefore, it has been classified as a Variant of Uncertain Significance.

NM_020831.6(MRTFA):c.1474A>G (p.Lys492Glu)

Gene: MRTFA (myocardin related transcription factor A; minus strand). Cytogenetic location: 22q13.1.
Variant type: single nucleotide variant.
Coding change: c.1474A>G on transcript NM_020831.6 (MANE Select); coding-DNA position 1474, A replaced by G.
Protein change: p.Lys492Glu; replaces lysine 492 with glutamic acid.
Molecular consequence: missense variant.
Genome position (GRCh38, 1-based): chr22:40,419,264, T>C on the plus strand (A>G on the coding strand, the complement: MRTFA is on the minus strand). VCF-style: chr22-40419264-T-C. GRCh37 (hg19) VCF-style: chr22-40815268-T-C.
Other names: c.1174A>G, p.Lys392Glu (NM_001282660.2); c.1324A>G, p.Lys442Glu (NM_001282661.3); c.1474A>G, p.Lys492Glu (NM_001282662.3); c.1279A>G, p.Lys427Glu (NM_001318139.2); short protein forms K392E, K427E, K442E, K492E.
Identifiers: ClinVar variation 3610480 (VCV003610480.2).